The following is an entry in ClinVar:

NM_133642.5(LARGE1):c.118G>A (p.Val40Met)

Gene: LARGE1 (LARGE xylosyl- and glucuronyltransferase 1; minus strand). Cytogenetic location: 22q12.3.
Variant type: single nucleotide variant.
Coding change: c.118G>A on transcript NM_133642.5 (MANE Select); coding-DNA position 118, G replaced by A.
Protein change: p.Val40Met; replaces valine 40 with methionine.
Molecular consequence: missense variant.
Genome position (GRCh38, 1-based): chr22:33,650,657, C>T on the plus strand (G>A on the coding strand, the complement: LARGE1 is on the minus strand). VCF-style: chr22-33650657-C-T. GRCh37 (hg19) VCF-style: chr22-34046643-C-T.
Other names: c.118G>A (NM_004737.6); c.118G>A, p.Val40Met (NM_001362949.2, NM_001362951.2, NM_001362953.2 and 7 more transcripts); short protein forms V40M.
Identifiers: ClinVar variation 95162 (VCV000095162.14), dbSNP rs188675457, ClinGen allele CA222792.

ClinVar aggregate classification (germline): Uncertain significance. Review status: criteria provided, multiple submitters, no conflicts (2 of 4 stars). 4 submissions from 4 submitters: Uncertain significance (4). Last evaluated 2024-06-11.

Conditions:
Inborn genetic diseases. Identifiers: MedGen C0950123, MeSH D030342.
Muscular dystrophy-dystroglycanopathy type B6 (MDDGB6). Also called: MUSCULAR DYSTROPHY-DYSTROGLYCANOPATHY (CONGENITAL WITH IMPAIRED INTELLECTUAL DEVELOPMENT), TYPE B, 6; MUSCULAR DYSTROPHY, CONGENITAL, LARGE-RELATED; MUSCULAR DYSTROPHY, CONGENITAL, TYPE 1D. Identifiers: MedGen C1837229, MONDO:0012138, OMIM 608840.
Muscular dystrophy-dystroglycanopathy (congenital with brain and eye anomalies), type A6. Also called: WALKER-WARBURG SYNDROME OR MUSCLE-EYE-BRAIN DISEASE, LARGE-RELATED; MUSCULAR DYSTROPHY-DYSTROGLYCANOPATHY (CONGENITAL WITH BRAIN AND EYE ANOMALIES), TYPE A, 6. Identifiers: Orphanet 588, Orphanet 899, MedGen C3150414, MONDO:0013158, OMIM 613154.

Allele frequency attached by ClinVar (database versions not stated): ESP Exome Variant Server 0.00008; gnomAD 0.00006; TOPMed 0.00006.
gnomAD v4.1: 25 of 1,600,702 alleles (0.0016%); highest among the groups gnomAD compares: African/African-American, 0.027%; no homozygotes.

Submissions (4):

Fulgent Genetics
Classification: Uncertain significance for Muscular dystrophy-dystroglycanopathy type B6; Muscular dystrophy-dystroglycanopathy (congenital with brain and eye anomalies), type A6. Last evaluated: 2024-06-11. Review status: criteria provided, single submitter. Criteria: ACMG Guidelines, 2015. Collection method: clinical testing. Allele origin: germline.

Labcorp Genetics (formerly Invitae), Labcorp
Classification: Uncertain significance for Muscular dystrophy-dystroglycanopathy type B6. Last evaluated: 2022-04-01. Review status: criteria provided, single submitter. Criteria: Invitae Variant Classification Sherloc (09022015). Collection method: clinical testing. Allele origin: germline.
Comment: This sequence change replaces valine, which is neutral and non-polar, with methionine, which is neutral and non-polar, at codon 40 of the LARGE1 protein (p.Val40Met). This variant is present in population databases (rs188675457, gnomAD 0.02%). This variant has not been reported in the literature in individuals affected with LARGE1-related conditions. ClinVar contains an entry for this variant (Variation ID: 95162). Algorithms developed to predict the effect of missense changes on protein structure and function are either unavailable or do not agree on the potential impact of this missense change (SIFT: "Deleterious"; PolyPhen-2: "Benign"; Align-GVGD: "Class C0"). In summary, the available evidence is currently insufficient to determine the role of this variant in disease. Therefore, it has been classified as a Variant of Uncertain Significance.

Ambry Genetics
Classification: Uncertain significance for Inborn genetic diseases. Last evaluated: 2021-08-17. Review status: criteria provided, single submitter. Criteria: Ambry Variant Classification Scheme 2023. Collection method: clinical testing. Allele origin: germline.

Eurofins Ntd Llc (ga)
Classification: Uncertain significance. Last evaluated: 2013-08-01. Review status: criteria provided, single submitter. Criteria: EGL Classification Definitions 2015. Collection method: clinical testing. Allele origin: germline. Observed: 1 variant allele, 1 heterozygote.